The following is an entry in ClinVar:

NM_001287491.2(TET3):c.4958G>A (p.Gly1653Asp)

Gene: TET3 (tet methylcytosine dioxygenase 3; plus strand). Cytogenetic location: 2p13.1.
Variant type: single nucleotide variant.
Coding change: c.4958G>A on transcript NM_001287491.2 (MANE Select); coding-DNA position 4958, G replaced by A.
Protein change: p.Gly1653Asp; replaces glycine 1653 with aspartic acid.
Molecular consequence: missense variant.
Genome position (GRCh38, 1-based): chr2:74,101,746, G>A. VCF-style: chr2-74101746-G-A. GRCh37 (hg19) VCF-style: chr2-74328873-G-A.
Other names: c.4679G>A, p.Gly1560Asp (NM_001366022.1); short protein forms G1560D, G1653D.
Identifiers: ClinVar variation 3346689 (VCV003346689.1).

ClinVar aggregate classification (germline): Uncertain significance (0 of 4 stars; one submission).

Conditions:
TET3-related disorder. Also called: TET3-Related Disease; TET3-related condition.

Submission:

PreventionGenetics, part of Exact Sciences
Classification: Uncertain significance for TET3-related condition. Last evaluated: 2024-05-08. Review status: no assertion criteria provided. Collection method: clinical testing. Allele origin: germline.
Comment: The TET3 c.4958G>A variant is predicted to result in the amino acid substitution p.Gly1653Asp. To our knowledge, this variant has not been reported in the literature or in a large population database, indicating this variant is rare. At this time, the clinical significance of this variant is uncertain due to the absence of conclusive functional and genetic evidence.